The following is an entry in ClinVar:

NM_000059.4(BRCA2):c.5778del (p.Ser1926fs)

Gene: BRCA2 (BRCA2 DNA repair associated; plus strand). Cytogenetic location: 13q13.1.
Variant type: Deletion.
Coding change: c.5778del on transcript NM_000059.4 (MANE Select); coding-DNA position 5778, one base deleted (T; older notation c.5778delT).
Protein change: p.Ser1926fs; shifts the reading frame from serine 1926.
Molecular consequence: frameshift variant.
Genome position (GRCh38, 1-based): chr13:32,340,133, T deleted. VCF-style (leftmost placement, unchanged base first): chr13-32340132-GT-G. GRCh37 (hg19) VCF-style: chr13-32914269-GT-G.
Other names: c.5778delT (NM_000059.3); short protein forms S1926fs.
Identifiers: ClinVar variation 254564 (VCV000254564.4), dbSNP rs886038130, ClinGen allele CA10586543.

ClinVar aggregate classification (germline): Pathogenic (3 of 4 stars; one submission).

Conditions:
Breast-ovarian cancer, familial, susceptibility to, 2 (BROVCA2). Also called: BRCA2 Hereditary Breast and Ovarian Cancer. Identifiers: Orphanet 145, MedGen C2675520, MONDO:0012933, OMIM 612555. Disease mechanism: loss of function.

Submission:

Evidence-based Network for the Interpretation of Germline Mutant Alleles (ENIGMA)
Classification: Pathogenic for Breast-ovarian cancer, familial, susceptibility to, 2. Last evaluated: 2016-09-08. Review status: reviewed by expert panel. Criteria: ENIGMA BRCA1/2 Classification Criteria (2015). Collection method: curation. Allele origin: germline.
Comment: Variant allele predicted to encode a truncated non-functional protein.